The following is an entry in ClinVar:

NM_001267550.2(TTN):c.70936A>T (p.Lys23646Ter)

Genes: TTN-AS1 (TTN antisense RNA 1; plus strand), TTN (titin; minus strand). Cytogenetic location: 2q31.2.
Variant type: single nucleotide variant.
Coding change: c.70936A>T on transcript NM_001267550.2 (MANE Select); coding-DNA position 70936, A replaced by T.
Protein change: p.Lys23646Ter; replaces lysine 23646 with a stop codon.
Molecular consequence: nonsense.
Genome position (GRCh38, 1-based): chr2:178,575,196, T>A on the plus strand (A>T on the coding strand, the complement: TTN is on the minus strand). VCF-style: chr2-178575196-T-A. GRCh37 (hg19) VCF-style: chr2-179439923-T-A.
Other names: c.66013A>T, p.Lys22005Ter (NM_001256850.1); c.43741A>T, p.Lys14581Ter (NM_003319.4); c.63232A>T, p.Lys21078Ter (NM_133378.4); c.44116A>T, p.Lys14706Ter (NM_133432.3); c.44317A>T, p.Lys14773Ter (NM_133437.4); short protein forms K14581*, K14706*, K14773*, K21078*, K22005*, K23646*.
Identifiers: ClinVar variation 1068315 (VCV001068315.9), dbSNP rs2154172066, ClinGen allele CA349660118.

ClinVar aggregate classification (germline): Likely pathogenic (1 of 4 stars; one submission).

Conditions:
Dilated cardiomyopathy 1G (CMD1G). Identifiers: Orphanet 154, MedGen C1858763, MONDO:0011400, OMIM 604145.
Autosomal recessive limb-girdle muscular dystrophy type 2J (LGMDR10). Also called: Limb-girdle muscular dystrophy, type 2J; MUSCULAR DYSTROPHY, LIMB-GIRDLE, AUTOSOMAL RECESSIVE 10. Identifiers: Orphanet 140922, MedGen C1837342, MONDO:0012127, OMIM 608807.

Submission:

Labcorp Genetics (formerly Invitae), Labcorp
Classification: Likely pathogenic for Dilated cardiomyopathy 1G; Autosomal recessive limb-girdle muscular dystrophy type 2J. Last evaluated: 2022-05-14. Review status: criteria provided, single submitter. Criteria: Invitae Variant Classification Sherloc (09022015). Collection method: clinical testing. Allele origin: germline.
Comment: In summary, the currently available evidence indicates that the variant is pathogenic, but additional data are needed to prove that conclusively. Therefore, this variant has been classified as Likely Pathogenic. This variant is located in the A band of TTN (PMID: 25589632). Truncating variants in this region are significantly overrepresented in patients affected with dilated cardiomyopathy (PMID: 25589632). Truncating variants in this region have also been reported in individuals affected with autosomal recessive centronuclear myopathy (PMID: 23975875). ClinVar contains an entry for this variant (Variation ID: 1068315). This variant has not been reported in the literature in individuals affected with TTN-related conditions. This variant is not present in population databases (gnomAD no frequency). This sequence change creates a premature translational stop signal (p.Lys23646*) in the TTN gene. While this is not anticipated to result in nonsense mediated decay, it is expected to create a truncated TTN protein.

Literature cited by the submitters: PubMed 25589632; PubMed 23975875.